The following is an entry in ClinVar:

NM_001103146.3(GIGYF2):c.3626_3649del (p.Leu1209_Gln1216del)

Gene: GIGYF2 (GRB10 interacting GYF protein 2; plus strand). Cytogenetic location: 2q37.1.
Variant type: Deletion.
Coding change: c.3626_3649del on transcript NM_001103146.3 (MANE Select); coding-DNA positions 3626 to 3649, 24 bases deleted (TGCCACAGCAGCAGCAGCAGCAGC).
Protein change: p.Leu1209_Gln1216del.
Molecular consequence: inframe deletion. On other transcripts: non-coding transcript variant (1).
Genome position (GRCh38, 1-based): chr2:232,847,513-232,847,536, TGCCACAGCAGCAGCAGCAGCAGC deleted; deleting any 24 consecutive bases within chr2:232,847,500-232,847,536 gives the same sequence; the c. name uses the placement nearest the transcript's 3' end. VCF-style (leftmost placement, unchanged base first): chr2-232847499-TCAGCAGCAGCAGCTGCCACAGCAG-T. GRCh37 (hg19) VCF-style: chr2-233712209-TCAGCAGCAGCAGCTGCCACAGCAG-T.
Other names: p.Leu1209_Gln1216del; c.3689_3712del, p.Leu1230_Gln1237del (NM_001103147.2); c.3608_3631del, p.Leu1203_Gln1210del (NM_001103148.2); c.3626_3649del, p.Leu1209_Gln1216del (NM_015575.4); c.3626_3649del (NM_001103146.2).
Identifiers: ClinVar variation 2652014 (VCV002652014.25), dbSNP rs760580898, ClinGen allele CA2170907.

ClinVar aggregate classification (germline): Benign/Likely benign. Review status: criteria provided, multiple submitters, no conflicts (2 of 4 stars). 2 submissions from 2 submitters: Benign (1); Likely benign (1). Last evaluated 2026-07-01.

Submissions (2):

CeGaT Center for Human Genetics Tuebingen
Classification: Likely benign. Last evaluated: 2026-07-01. Review status: criteria provided, single submitter. Criteria: CeGaT Center For Human Genetics Tuebingen Variant Classification Criteria Version 2. Collection method: clinical testing. Allele origin: germline. Affected: yes. Observed: 4 variant alleles.
Comment: GIGYF2: BS2

Mayo Clinic Laboratories, Mayo Clinic
Classification: Benign. Last evaluated: 2023-04-19. Review status: criteria provided, single submitter. Criteria: ACMG Guidelines, 2015. Collection method: clinical testing. Allele origin: germline. Observed: 8 variant alleles.
Comment: BS1, BS2